The following is an entry in ClinVar:

NM_001197104.2(KMT2A):c.1760C>T (p.Pro587Leu)

Gene: KMT2A (lysine methyltransferase 2A; plus strand). Cytogenetic location: 11q23.3.
Variant type: single nucleotide variant.
Coding change: c.1760C>T on transcript NM_001197104.2 (MANE Select); coding-DNA position 1760, C replaced by T.
Protein change: p.Pro587Leu; replaces proline 587 with leucine.
Molecular consequence: missense variant.
Genome position (GRCh38, 1-based): chr11:118,472,919, C>T. VCF-style: chr11-118472919-C-T. GRCh37 (hg19) VCF-style: chr11-118343634-C-T.
Other names: c.1859C>T, p.Pro620Leu (NM_001412597.1); c.1760C>T, p.Pro587Leu (NM_005933.4); short protein forms P620L, P587L.
Identifiers: ClinVar variation 2767394 (VCV002767394.3), dbSNP rs2134264145, ClinGen allele CA382810944.

ClinVar aggregate classification (germline): Uncertain significance (1 of 4 stars; one submission).

Allele frequency attached by ClinVar (database versions not stated): gnomAD exomes below 0.00001.
gnomAD v4.1: 1 of 1,614,050 alleles (0.000062%); highest among the groups gnomAD compares: Non-Finnish European, 0.000085%; no homozygotes.

Submission:

Labcorp Genetics (formerly Invitae), Labcorp
Classification: Uncertain significance. Last evaluated: 2023-10-15. Review status: criteria provided, single submitter. Criteria: Invitae Variant Classification Sherloc (09022015). Collection method: clinical testing. Allele origin: germline.
Comment: This sequence change replaces proline, which is neutral and non-polar, with leucine, which is neutral and non-polar, at codon 587 of the KMT2A protein (p.Pro587Leu). This variant is not present in population databases (gnomAD no frequency). This variant has not been reported in the literature in individuals affected with KMT2A-related conditions. Advanced modeling of protein sequence and biophysical properties (such as structural, functional, and spatial information, amino acid conservation, physicochemical variation, residue mobility, and thermodynamic stability) has been performed at Invitae for this missense variant, however the output from this modeling did not meet the statistical confidence thresholds required to predict the impact of this variant on KMT2A protein function. In summary, the available evidence is currently insufficient to determine the role of this variant in disease. Therefore, it has been classified as a Variant of Uncertain Significance.